The following is an entry in ClinVar:

NM_022455.5(NSD1):c.5268C>A (p.Tyr1756Ter)

Gene: NSD1 (nuclear receptor binding SET domain protein 1; plus strand). Cytogenetic location: 5q35.3.
Variant type: single nucleotide variant.
Coding change: c.5268C>A on transcript NM_022455.5 (MANE Select); coding-DNA position 5268, C replaced by A.
Protein change: p.Tyr1756Ter; replaces tyrosine 1756 with a stop codon.
Molecular consequence: nonsense.
Genome position (GRCh38, 1-based): chr5:177,267,683, C>A. VCF-style: chr5-177267683-C-A. GRCh37 (hg19) VCF-style: chr5-176694684-C-A.
Other names: c.4395C>A, p.Tyr1465Ter (NM_001365684.2, NM_001409308.1, NM_001409309.1 and 1 more transcripts); c.5268C>A, p.Tyr1756Ter (NM_001409301.1, NM_001409302.1, NM_001409303.1); c.4848C>A, p.Tyr1616Ter (NM_001409304.1); c.4515C>A, p.Tyr1505Ter (NM_001409305.1); c.4506C>A, p.Tyr1502Ter (NM_001409306.1, NM_001409307.1); short protein forms Y1465*, Y1616*, Y1756*, Y1505*, Y1502*.
Identifiers: ClinVar variation 2584922 (VCV002584922.1), dbSNP rs2480720376, ClinGen allele CA362306029.
Genomic context (GRCh38, chr5:177,267,683, plus strand): 5'-TGATATCCCTGAAGGAAACTGGTATTGCAATGACTGTAAAGCAGGCAAAAAGCCACACTA[C>A]AGGGAGATTGTCTGGGTAAAAGTTGGACGATACAGGTAAGCCTGAAGAATAGCACTCATC-3'

ClinVar aggregate classification (germline): Likely pathogenic (1 of 4 stars; one submission).

Conditions:
Sotos syndrome (SOTOS). Also called: Sotos' syndrome; Distinctive facial appearance, overgrowth in childhood, and learning disabilities or delayed development; CEREBRAL GIGANTISM; CHROMOSOME 5q35 DELETION SYNDROME; SOTOS SYNDROME 1. Identifiers: Orphanet 821, MedGen C0175695, MONDO:0019349, OMIM 117550.

Submission:

Neuberg Centre For Genomic Medicine, NCGM
Classification: Likely pathogenic for Sotos syndrome. Review status: criteria provided, single submitter. Criteria: ACMG Guidelines, 2015. Collection method: clinical testing. Allele origin: germline. Inheritance: Autosomal dominant inheritance. Affected: yes.
Comment: The stop gained (c.5268C>A) variant has not been reported previously as a pathogenic variant nor as a benign variant, to our knowledge. The c.5268C>A variant is novel (not in any individuals) in gnomAD Exomes and 1000 Genomes. This variant has not been reported to the ClinVar database. The nucleotide change c.5268C>A in NSD1 is predicted as conserved by GERP++ and PhyloP across 100 vertebrates. This variant is predicted to cause loss of normal protein function through protein truncation. Loss of function variants have been previously reported to be disease causing. For these reasons, this variant has been classified as Uncertain Significance (VUS).